The following is an entry in ClinVar:

NM_000701.8(ATP1A1):c.1265C>G (p.Ser422Cys)

Gene: ATP1A1 (ATPase Na+/K+ transporting subunit alpha 1; plus strand). Cytogenetic location: 1p13.1.
Variant type: single nucleotide variant.
Coding change: c.1265C>G on transcript NM_000701.8 (MANE Select); coding-DNA position 1265, C replaced by G.
Protein change: p.Ser422Cys; replaces serine 422 with cysteine.
Molecular consequence: missense variant.
Genome position (GRCh38, 1-based): chr1:116,390,824, C>G. VCF-style: chr1-116390824-C-G. GRCh37 (hg19) VCF-style: chr1-116933446-C-G.
Other names: c.1265C>G, p.Ser422Cys (NM_001160233.2); c.1172C>G, p.Ser391Cys (NM_001160234.2); short protein forms S391C, S422C.
Identifiers: ClinVar variation 1712074 (VCV001712074.2), dbSNP rs757650235, ClinGen allele CA341844818.
Genomic context (GRCh38, chr1:116,390,824, plus strand): 5'-TTTTCTTGCCTCCATCAGGTGTCTCTTTTGACAAGACTTCAGCTACCTGGCTTGCTCTGT[C>G]CAGAATTGCAGGTCTTTGTAACAGGGCAGTGTTTCAGGCTAACCAGGAAAACCTACCTAT-3'
Protein context (NP_000692.2, residues 412-432): DKTSATWLAL[Ser422Cys]RIAGLCNRAV

ClinVar aggregate classification (germline): Uncertain significance (1 of 4 stars; one submission).

Submission:

GeneDx
Classification: Uncertain significance. Last evaluated: 2022-04-19. Review status: criteria provided, single submitter. Criteria: GeneDx Variant Classification Process June 2021. Collection method: clinical testing. Allele origin: germline. Affected: yes.
Comment: Not observed at significant frequency in large population cohorts (gnomAD); In silico analysis supports that this missense variant does not alter protein structure/function; Has not been previously published as pathogenic or benign to our knowledge